The following is an entry in ClinVar:

ClinVar aggregate classification (germline): Uncertain significance (1 of 4 stars; one submission).

Conditions:
PRPF31-related disorder. Also called: PRPF31-related condition.

gnomAD v4.1: 3 of 1,613,444 alleles (0.00019%); highest among the groups gnomAD compares: African/African-American, 0.0027%; no homozygotes.

Submission:

PreventionGenetics, part of Exact Sciences
Classification: Uncertain significance for PRPF31-related condition. Last evaluated: 2025-01-17. Review status: criteria provided, single submitter. Criteria: ACMG Guidelines, 2015. Collection method: clinical testing. Allele origin: germline.
Comment: The PRPF31 c.940G>A variant is predicted to result in the amino acid substitution p.Gly314Arg. To our knowledge, this variant has not been reported in the literature. This variant is present in 0.0063% of alleles in individuals of African descent in gnomAD. At this time, the clinical significance of this variant is uncertain due to the absence of conclusive functional and genetic evidence.

NM_015629.4(PRPF31):c.940G>A (p.Gly314Arg)

Gene: PRPF31 (pre-mRNA processing factor 31; plus strand). Cytogenetic location: 19q13.42.
Variant type: single nucleotide variant.
Coding change: c.940G>A on transcript NM_015629.4 (MANE Select); coding-DNA position 940, G replaced by A.
Protein change: p.Gly314Arg; replaces glycine 314 with arginine.
Molecular consequence: missense variant.
Genome position (GRCh38, 1-based): chr19:54,126,612, G>A. VCF-style: chr19-54126612-G-A. GRCh37 (hg19) VCF-style: chr19-54629987-G-A.
Other names: short protein forms G314R.
Identifiers: ClinVar variation 4984983 (VCV004984983.1).